The following is an entry in ClinVar:

ClinVar aggregate classification (germline): Uncertain significance (1 of 4 stars; one submission).

Conditions:
Catecholaminergic polymorphic ventricular tachycardia 1. Also called: VENTRICULAR TACHYCARDIA, STRESS-INDUCED POLYMORPHIC 1; RYR2-Related Catecholaminergic Polymorphic Ventricular Tachycardia; VENTRICULAR TACHYCARDIA, CATECHOLAMINERGIC POLYMORPHIC, 1, WITH OR WITHOUT ATRIAL DYSFUNCTION AND/OR DILATED CARDIOMYOPATHY. Identifiers: Orphanet 3286, MedGen C1631597, MONDO:0011484, OMIM 604772.

Submission:

Labcorp Genetics (formerly Invitae), Labcorp
Classification: Uncertain significance for Catecholaminergic polymorphic ventricular tachycardia 1. Last evaluated: 2025-09-23. Review status: criteria provided, single submitter. Criteria: Invitae Variant Classification Sherloc (09022015). Collection method: clinical testing. Allele origin: germline.
Comment: This sequence change replaces aspartic acid, which is acidic and polar, with asparagine, which is neutral and polar, at codon 1336 of the RYR2 protein (p.Asp1336Asn). This variant is not present in population databases (gnomAD no frequency). This variant has not been reported in the literature in individuals affected with RYR2-related conditions. Invitae Evidence Modeling of protein sequence and biophysical properties (such as structural, functional, and spatial information, amino acid conservation, physicochemical variation, residue mobility, and thermodynamic stability) indicates that this missense variant is not expected to disrupt RYR2 protein function with a negative predictive value of 95%. In summary, the available evidence is currently insufficient to determine the role of this variant in disease. Therefore, it has been classified as a Variant of Uncertain Significance.

NM_001035.3(RYR2):c.4006G>A (p.Asp1336Asn)

Genes: RYR2 (ryanodine receptor 2; plus strand), LOC126806067 (BRD4-independent group 4 enhancer GRCh37_chr1:237753258-237754457; plus strand). Cytogenetic location: 1q43.
Variant type: single nucleotide variant.
Coding change: c.4006G>A on transcript NM_001035.3 (MANE Select); coding-DNA position 4006, G replaced by A.
Protein change: p.Asp1336Asn; replaces aspartic acid 1336 with asparagine.
Molecular consequence: missense variant.
Genome position (GRCh38, 1-based): chr1:237,590,838, G>A. VCF-style: chr1-237590838-G-A. GRCh37 (hg19) VCF-style: chr1-237754138-G-A.
Other names: short protein forms D1336N.
Identifiers: ClinVar variation 4800071 (VCV004800071.1).